The following is an entry in ClinVar:

NM_032043.3(BRIP1):c.1098_1102del (p.Cys367fs)

Gene: BRIP1 (BRCA1 interacting DNA helicase 1; minus strand). Cytogenetic location: 17q23.2.
Variant type: Deletion.
Coding change: c.1098_1102del on transcript NM_032043.3 (MANE Select); coding-DNA positions 1098 to 1102, 5 bases deleted (TTGTC; older notation c.1098_1102delTTGTC).
Protein change: p.Cys367fs; shifts the reading frame from cysteine 367.
Molecular consequence: frameshift variant.
Genome position (GRCh38, 1-based): chr17:61,801,291-61,801,295, GACAA deleted on the plus strand (TTGTC on the coding strand, the reverse complement: BRIP1 is on the minus strand). VCF-style (leftmost placement, unchanged base first): chr17-61801290-GGACAA-G. GRCh37 (hg19) VCF-style: chr17-59878651-GGACAA-G.
Other names: c.1098_1102delTTGTC (NM_032043.2); short protein forms C367fs.
Identifiers: ClinVar variation 233137 (VCV000233137.5), dbSNP rs876660219, ClinGen allele CA10580845.

ClinVar aggregate classification (germline): Pathogenic (1 of 4 stars; one submission).

Conditions:
Hereditary cancer-predisposing syndrome. Also called: Neoplastic Syndromes, Hereditary; Tumor predisposition; Hereditary Cancer Syndrome; Hereditary neoplastic syndrome. Identifiers: Orphanet 140162, MedGen C0027672, MeSH D009386, MONDO:0015356.

Submission:

Ambry Genetics
Classification: Pathogenic for Hereditary cancer-predisposing syndrome. Last evaluated: 2015-07-20. Review status: criteria provided, single submitter. Criteria: Ambry Variant Classification Scheme 2023. Collection method: clinical testing. Allele origin: germline.
Comment: The c.1098_1102delTTGTC pathogenic mutation, located in coding exon 7 of the BRIP1 gene, results from a deletion of 5 nucleotides at positions 1098 to 1102, causing a translational frameshift with a predicted alternate stop codon. Since frameshifts are typically deleterious in nature, this alteration is interpreted as a disease-causing mutation (ACMG Recommendations for Standards for Interpretation and Reporting of Sequence Variations. Revision 2007. Genet Med. 2008;10:294).